The following is an entry in ClinVar:

ClinVar aggregate classification (germline): Benign/Likely benign. Review status: criteria provided, multiple submitters, no conflicts (2 of 4 stars). 5 submissions from 5 submitters: Benign (4); Likely benign (1). Last evaluated 2026-01-20.

Conditions:
MTTP-related disorder. Also called: MTTP-related condition.

Allele frequency attached by ClinVar (database versions not stated): gnomAD exomes 0.00016; ExAC 0.00024; ESP Exome Variant Server 0.00031; gnomAD 0.00057 and 0.00060; TOPMed 0.00063; 1000 Genomes Project 30x 0.00250; 1000 Genomes Project 0.00319.
gnomAD v4.1: 265 of 1,614,098 alleles (0.016%); highest among the groups gnomAD compares: African/African-American, 0.28%; 2 homozygotes.

Submissions (5):

Labcorp Genetics (formerly Invitae), Labcorp
Classification: Benign. Last evaluated: 2026-01-20. Review status: criteria provided, single submitter. Criteria: Invitae Variant Classification Sherloc (09022015). Collection method: clinical testing. Allele origin: germline.

PreventionGenetics, part of Exact Sciences
Classification: Benign for MTTP-related condition. Last evaluated: 2025-07-11. Review status: criteria provided, single submitter. Criteria: ACMG Guidelines, 2015. Collection method: clinical testing. Allele origin: germline.
Comment: This variant is classified as benign based on ACMG/AMP sequence variant interpretation guidelines (Richards et al. 2015 PMID: 25741868, with internal and published modifications).

Blueprint Genetics
Classification: Likely benign. Last evaluated: 2023-03-09. Review status: criteria provided, single submitter. Criteria: ACMG Guidelines, 2015. Collection method: clinical testing. Allele origin: germline.

Eurofins Ntd Llc (ga)
Classification: Benign. Last evaluated: 2017-11-09. Review status: criteria provided, single submitter. Criteria: EGL Classification Definitions 2015. Collection method: clinical testing. Allele origin: germline. Observed: 1 variant allele, 1 heterozygote.

Breakthrough Genomics
Classification: Benign. Review status: criteria provided, single submitter. Criteria: ACMG Guidelines, 2015. Collection method: not provided. Allele origin: germline. Inheritance: Autosomal recessive inheritance. Affected: yes.

NM_001386140.1(MTTP):c.1401A>G (p.Lys467=)

Gene: MTTP (microsomal triglyceride transfer protein; plus strand). Cytogenetic location: 4q23.
Variant type: single nucleotide variant.
Coding change: c.1401A>G on transcript NM_001386140.1 (MANE Select); coding-DNA position 1401, A replaced by G.
Protein change: p.Lys467=; no amino-acid change (lysine 467 retained).
Molecular consequence: synonymous variant.
Genome position (GRCh38, 1-based): chr4:99,606,804, A>G. VCF-style: chr4-99606804-A-G. GRCh37 (hg19) VCF-style: chr4-100527961-A-G.
Other names: c.1401A>G, p.Lys467= (NM_000253.4); c.1152A>G, p.Lys384= (NM_001300785.2).
Identifiers: ClinVar variation 594735 (VCV000594735.17), dbSNP rs148469697, ClinGen allele CA3022106.